The following is an entry in ClinVar:

NM_005450.6(NOG):c.180T>A (p.Asp60Glu)

Gene: NOG (noggin; plus strand). Cytogenetic location: 17q22.
Variant type: single nucleotide variant.
Coding change: c.180T>A on transcript NM_005450.6 (MANE Select); coding-DNA position 180, T replaced by A.
Protein change: p.Asp60Glu; replaces aspartic acid 60 with glutamic acid.
Molecular consequence: missense variant.
Genome position (GRCh38, 1-based): chr17:56,594,403, T>A. VCF-style: chr17-56594403-T-A. GRCh37 (hg19) VCF-style: chr17-54671764-T-A.
Other names: c.180T>A (NM_005450.4); short protein forms D60E.
Identifiers: ClinVar variation 3009479 (VCV003009479.4), dbSNP rs879793137, ClinGen allele CA292532886.

ClinVar aggregate classification (germline): Uncertain significance. Review status: criteria provided, multiple submitters, no conflicts (2 of 4 stars). 2 submissions from 2 submitters: Uncertain significance (2). Last evaluated 2025-09-28.

Conditions:
NOG-related disorder. Also called: NOG-related condition; NOG-related disorders.

Allele frequency attached by ClinVar (database versions not stated): TOPMed 0.00001.

Submissions (2):

PreventionGenetics, part of Exact Sciences
Classification: Uncertain significance for NOG-related condition. Last evaluated: 2025-09-28. Review status: criteria provided, single submitter. Criteria: ACMG Guidelines, 2015. Collection method: clinical testing. Allele origin: germline.
Comment: The NOG c.180T>A variant is predicted to result in the amino acid substitution p.Asp60Glu. To our knowledge, this variant has not been reported in the literature. This variant is reported in 0.00093% of alleles in individuals of European (Non-Finnish) descent in gnomAD. At this time, the clinical significance of this variant is uncertain due to the absence of conclusive functional and genetic evidence.

Labcorp Genetics (formerly Invitae), Labcorp
Classification: Uncertain significance. Last evaluated: 2024-12-15. Review status: criteria provided, single submitter. Criteria: Invitae Variant Classification Sherloc (09022015). Collection method: clinical testing. Allele origin: germline.
Comment: This sequence change replaces aspartic acid, which is acidic and polar, with glutamic acid, which is acidic and polar, at codon 60 of the NOG protein (p.Asp60Glu). This variant is present in population databases (no rsID available, gnomAD 0.0009%). This variant has not been reported in the literature in individuals affected with NOG-related conditions. ClinVar contains an entry for this variant (Variation ID: 3009479). An algorithm developed to predict the effect of missense changes on protein structure and function (PolyPhen-2) suggests that this variant is likely to be disruptive. In summary, the available evidence is currently insufficient to determine the role of this variant in disease. Therefore, it has been classified as a Variant of Uncertain Significance.